The following is an entry in ClinVar:

NM_001267550.2(TTN):c.75385T>C (p.Phe25129Leu)

Genes: TTN (titin; minus strand), TTN-AS1 (TTN antisense RNA 1; plus strand). Cytogenetic location: 2q31.2.
Variant type: single nucleotide variant.
Coding change: c.75385T>C on transcript NM_001267550.2 (MANE Select); coding-DNA position 75385, T replaced by C.
Protein change: p.Phe25129Leu; replaces phenylalanine 25129 with leucine.
Molecular consequence: missense variant.
Genome position (GRCh38, 1-based): chr2:178,570,747, A>G on the plus strand (T>C on the coding strand, the complement: TTN is on the minus strand). VCF-style: chr2-178570747-A-G. GRCh37 (hg19) VCF-style: chr2-179435474-A-G.
Other names: c.70462T>C, p.Phe23488Leu (NM_001256850.1); c.48190T>C, p.Phe16064Leu (NM_003319.4); c.67681T>C, p.Phe22561Leu (NM_133378.4); c.48565T>C, p.Phe16189Leu (NM_133432.3); c.48766T>C, p.Phe16256Leu (NM_133437.4); short protein forms F16064L, F25129L, F16189L, F23488L, F22561L, F16256L.
Identifiers: ClinVar variation 519184 (VCV000519184.5), dbSNP rs373411870, ClinGen allele CA1990056.
Genomic context (GRCh38, chr2:178,570,747, plus strand): 5'-CACCTTTTATCCACTGAATGGTTGGTATTGGTTTGCCATAAATATCTGCATCAACCTTGA[A>G]TGATTCACCAGCATGAACCACGATTGTGTCTTTGTATTTTGGATCCATACTTATTCGTGG-3'
Protein context (NP_001254479.2, residues 25119-25139): DTIVVHAGES[Phe25129Leu]KVDADIYGKP

ClinVar aggregate classification (germline): Uncertain significance (1 of 4 stars; one submission).

Conditions:
Cardiovascular phenotype. Identifiers: MedGen CN230736.

Allele frequency attached by ClinVar (database versions not stated): gnomAD exomes below 0.00001; ExAC 0.00001; ESP Exome Variant Server 0.00008.
gnomAD v4.1: 1 of 1,613,556 alleles (0.000062%); highest among the groups gnomAD compares: Non-Finnish European, 0.000085%; no homozygotes.

Submission:

Ambry Genetics
Classification: Uncertain significance for Cardiovascular phenotype. Last evaluated: 2017-11-03. Review status: criteria provided, single submitter. Criteria: Ambry Variant Classification Scheme 2023. Collection method: clinical testing. Allele origin: germline.
Comment: The p.F16064L variant (also known as c.48190T>C), located in coding exon 153 of the TTN gene, results from a T to C substitution at nucleotide position 48190. The phenylalanine at codon 16064 is replaced by leucine, an amino acid with highly similar properties. This amino acid position is highly conserved in available vertebrate species. In addition, this alteration is predicted to be tolerated by in silico analysis. Since supporting evidence is limited at this time, the clinical significance of this alteration remains unclear.